The following is an entry in ClinVar:

ClinVar aggregate classification (germline): Pathogenic (1 of 4 stars; one submission).

Conditions:
Neurodevelopmental disorder. Identifiers: MedGen C1535926, MeSH D065886, MONDO:0700092.

Submission:

Mendelics
Classification: Pathogenic for Neurodevelopmental disorder. Last evaluated: 2026-03-05. Review status: criteria provided, single submitter. Criteria: ACMG Guidelines, 2015. Collection method: clinical testing. Allele origin: unknown.
Comment: Likely pathogenic/Pathogenic according to ACMG criteria.

NM_001297595.2(SIN3B):c.625_656dup (p.Phe221fs)

Gene: SIN3B (SIN3 transcription regulator family member B; plus strand). Cytogenetic location: 19p13.11.
Variant type: Duplication.
Coding change: c.625_656dup on transcript NM_001297595.2 (MANE Select); coding-DNA positions 625 to 656, 32 bases duplicated.
Protein change: p.Phe221fs; shifts the reading frame from phenylalanine 221.
Molecular consequence: frameshift variant.
Genome position (GRCh38, 1-based): chr19:16,847,012-16,847,043, 32 bases duplicated. GRCh37 (hg19): chr19:16,957,823-16,957,854.
Other names: c.625_656dup, p.Phe221fs (NM_015260.4); short protein forms F221fs.
Identifiers: ClinVar variation 4813565 (VCV004813565.1).